The following is an entry in ClinVar:

NM_001999.4(FBN2):c.1685C>T (p.Ala562Val)

Gene: FBN2 (fibrillin 2; minus strand). Cytogenetic location: 5q23.3.
Variant type: single nucleotide variant.
Coding change: c.1685C>T on transcript NM_001999.4 (MANE Select); coding-DNA position 1685, C replaced by T.
Protein change: p.Ala562Val; replaces alanine 562 with valine.
Molecular consequence: missense variant.
Genome position (GRCh38, 1-based): chr5:128,378,809, G>A on the plus strand (C>T on the coding strand, the complement: FBN2 is on the minus strand). VCF-style: chr5-128378809-G-A. GRCh37 (hg19) VCF-style: chr5-127714502-G-A.
Other names: short protein forms A562V.
Identifiers: ClinVar variation 350788 (VCV000350788.9), dbSNP rs886059902, ClinGen allele CA10622602.
Genomic context (GRCh38, chr5:128,378,809, plus strand): 5'-ATGTGAAAGCAAACTGCCTTACCAATGCATGCTTGCTTGGTAGGAGTCCTCTGGAATCCA[G>A]CATGACATTTACAATAATAGGAACCAGGTGTGTTAACACAATCTCCATTAGTGCAGGGAT-3'
Protein context (NP_001990.2, residues 552-572): TPGSYYCKCH[Ala562Val]GFQRTPTKQA

ClinVar aggregate classification (germline): Conflicting classifications of pathogenicity. Review status: criteria provided, conflicting classifications (1 of 4 stars). 3 submissions from 3 submitters: Uncertain significance (2); Likely benign (1). Last evaluated 2026-08-03.

Conditions:
Congenital contractural arachnodactyly (CCA). Also called: Beals-Hecht syndrome; BEALS SYNDROME; Arthrogryposis, distal, type 9. Identifiers: Orphanet 115, MedGen C0220668, MONDO:0007363, OMIM 121050.
FBN2-related disorder. Also called: FBN2-related condition.

Allele frequency attached by ClinVar (database versions not stated): gnomAD 0.00002; TOPMed 0.00003.
gnomAD v4.1: 6 of 1,613,056 alleles (0.00037%); highest among the groups gnomAD compares: African/African-American, 0.0053%; no homozygotes.

Submissions (3):

PreventionGenetics, part of Exact Sciences
Classification: Uncertain significance for FBN2-related condition. Last evaluated: 2026-08-03. Review status: criteria provided, single submitter. Criteria: ACMG Guidelines, 2015. Collection method: clinical testing. Allele origin: germline.
Comment: The FBN2 c.1685C>T variant is predicted to result in the amino acid substitution p.Ala562Val. To our knowledge, this variant has not been reported in the literature. This variant is reported in 0.0062% of alleles in individuals of African descent in gnomAD. At this time, the clinical significance of this variant is uncertain due to the absence of conclusive functional and genetic evidence.

Labcorp Genetics (formerly Invitae), Labcorp
Classification: Likely benign for Congenital contractural arachnodactyly. Last evaluated: 2024-05-23. Review status: criteria provided, single submitter. Criteria: Invitae Variant Classification Sherloc (09022015). Collection method: clinical testing. Allele origin: germline.

Illumina Laboratory Services, Illumina
Classification: Uncertain significance for Congenital contractural arachnodactyly. Last evaluated: 2018-01-13. Review status: criteria provided, single submitter. Criteria: ICSL Variant Classification Criteria 13 December 2019. Collection method: clinical testing. Allele origin: germline.